The following is an entry in ClinVar:

ClinVar aggregate classification (germline): Likely benign (0 of 4 stars; one submission).

Conditions:
DYNC1H1-related disorder. Also called: DYNC1H1-related disorders; DYNC1H1-related condition. Identifiers: MedGen CN381529.

Allele frequency attached by ClinVar (database versions not stated): gnomAD exomes below 0.00001.
gnomAD v4.1: 2 of 1,613,644 alleles (0.00012%); highest among the groups gnomAD compares: Non-Finnish European, 0.00017%; no homozygotes.

Submission:

PreventionGenetics, part of Exact Sciences
Classification: Likely benign for DYNC1H1-related condition. Last evaluated: 2019-10-03. Review status: no assertion criteria provided. Collection method: clinical testing. Allele origin: germline.
Comment: This variant is classified as likely benign based on ACMG/AMP sequence variant interpretation guidelines (Richards et al. 2015 PMID: 25741868, with internal and published modifications).

NM_001376.5(DYNC1H1):c.7218G>A (p.Glu2406=)

Gene: DYNC1H1 (dynein cytoplasmic 1 heavy chain 1; plus strand). Cytogenetic location: 14q32.31.
Variant type: single nucleotide variant.
Coding change: c.7218G>A on transcript NM_001376.5 (MANE Select); coding-DNA position 7218, G replaced by A.
Protein change: p.Glu2406=; no amino-acid change (glutamic acid 2406 retained).
Molecular consequence: synonymous variant.
Genome position (GRCh38, 1-based): chr14:102,015,308, G>A. VCF-style: chr14-102015308-G-A. GRCh37 (hg19) VCF-style: chr14-102481645-G-A.
Identifiers: ClinVar variation 3045319 (VCV003045319.2), dbSNP rs2152581615, ClinGen allele CA487972613.